The following is an entry in ClinVar:

NM_001382567.1(STIM1):c.313C>A (p.His105Asn)

Gene: STIM1 (stromal interaction molecule 1; plus strand). Cytogenetic location: 11p15.4.
Variant type: single nucleotide variant.
Coding change: c.313C>A on transcript NM_001382567.1 (MANE Select); coding-DNA position 313, C replaced by A.
Protein change: p.His105Asn; replaces histidine 105 with asparagine.
Molecular consequence: missense variant. On other transcripts: 5 prime UTR variant (3), non-coding transcript variant (3).
Genome position (GRCh38, 1-based): chr11:4,023,915, C>A. VCF-style: chr11-4023915-C-A. GRCh37 (hg19) VCF-style: chr11-4045145-C-A.
Other names: c.313C>A, p.His105Asn (NM_001277961.3, NM_001277962.2, NM_001382568.1 and 3 more transcripts); c.91C>A, p.His31Asn (NM_001382566.1, NM_001382573.1, NM_001382574.1 and 5 more transcripts); c.178C>A, p.His60Asn (NM_001382569.1); c.-56C>A (NM_001382571.1); c.-177C>A (NM_001382580.1, NM_001382581.1); short protein forms H105N, H31N, H60N.
Identifiers: ClinVar variation 1718665 (VCV001718665.6), dbSNP rs2497906241, ClinGen allele CA379485248.

ClinVar aggregate classification (germline): Uncertain significance (1 of 4 stars; one submission).

Conditions:
Combined immunodeficiency due to STIM1 deficiency. Also called: STIM1 DEFICIENCY; IMMUNODEFICIENCY 10. Identifiers: Orphanet 169090, Orphanet 317430, MedGen C2748557, MONDO:0013008, OMIM 612783.
Stormorken syndrome (STRMK). Also called: THROMBOCYTOPATHY, ASPLENIA, AND MIOSIS. Identifiers: Orphanet 3204, MedGen C1861451, MONDO:0008497, OMIM 185070.
Myopathy with tubular aggregates (TAM). Also called: Tubular Aggregate Myopathy. Identifiers: Orphanet 2593, MedGen C0410207, MONDO:0008051.

Submission:

Labcorp Genetics (formerly Invitae), Labcorp
Classification: Uncertain significance for Myopathy with tubular aggregates; Combined immunodeficiency due to STIM1 deficiency; Stormorken syndrome. Last evaluated: 2024-04-05. Review status: criteria provided, single submitter. Criteria: Invitae Variant Classification Sherloc (09022015). Collection method: clinical testing. Allele origin: germline.
Comment: This sequence change replaces histidine, which is basic and polar, with asparagine, which is neutral and polar, at codon 105 of the STIM1 protein (p.His105Asn). This variant is not present in population databases (gnomAD no frequency). This variant has not been reported in the literature in individuals affected with STIM1-related conditions. ClinVar contains an entry for this variant (Variation ID: 1718665). Advanced modeling of protein sequence and biophysical properties (such as structural, functional, and spatial information, amino acid conservation, physicochemical variation, residue mobility, and thermodynamic stability) has been performed at Invitae for this missense variant, however the output from this modeling did not meet the statistical confidence thresholds required to predict the impact of this variant on STIM1 protein function. In summary, the available evidence is currently insufficient to determine the role of this variant in disease. Therefore, it has been classified as a Variant of Uncertain Significance.